The following is an entry in ClinVar:

ClinVar aggregate classification (germline): Uncertain significance. Review status: criteria provided, multiple submitters, no conflicts (2 of 4 stars). 2 submissions from 2 submitters: Uncertain significance (2). Last evaluated 2025-10-19.

Conditions:
Hereditary cancer-predisposing syndrome. Also called: Neoplastic Syndromes, Hereditary; Tumor predisposition; Hereditary Cancer Syndrome; Hereditary neoplastic syndrome. Identifiers: Orphanet 140162, MedGen C0027672, MeSH D009386, MONDO:0015356.

gnomAD v4.1: 2 of 1,613,940 alleles (0.00012%); highest among the groups gnomAD compares: Non-Finnish European, 0.000085%; no homozygotes.

Submissions (2):

Labcorp Genetics (formerly Invitae), Labcorp
Classification: Uncertain significance. Last evaluated: 2025-10-19. Review status: criteria provided, single submitter. Criteria: Invitae Variant Classification Sherloc (09022015). Collection method: clinical testing. Allele origin: germline.
Comment: This sequence change replaces tyrosine, which is neutral and polar, with cysteine, which is neutral and slightly polar, at codon 816 of the POLE protein (p.Tyr816Cys). This variant is present in population databases (rs755607339, gnomAD 0.004%). This variant has not been reported in the literature in individuals affected with POLE-related conditions. ClinVar contains an entry for this variant (Variation ID: 3422131). Invitae Evidence Modeling of protein sequence and biophysical properties (such as structural, functional, and spatial information, amino acid conservation, physicochemical variation, residue mobility, and thermodynamic stability) indicates that this missense variant is expected to disrupt POLE protein function with a positive predictive value of 80%. In summary, the available evidence is currently insufficient to determine the role of this variant in disease. Therefore, it has been classified as a Variant of Uncertain Significance.

Ambry Genetics
Classification: Uncertain significance for Hereditary cancer-predisposing syndrome. Last evaluated: 2024-08-12. Review status: criteria provided, single submitter. Criteria: Ambry Variant Classification Scheme 2023. Collection method: clinical testing. Allele origin: germline.
Comment: The p.Y816C variant (also known as c.2447A>G), located in coding exon 21 of the POLE gene, results from an A to G substitution at nucleotide position 2447. The tyrosine at codon 816 is replaced by cysteine, an amino acid with highly dissimilar properties. This amino acid position is conserved. In addition, this alteration is predicted to be deleterious by in silico analysis. Based on the available evidence, the clinical significance of this variant remains unclear.

NM_006231.4(POLE):c.2447A>G (p.Tyr816Cys)

Gene: POLE (DNA polymerase epsilon, catalytic subunit; minus strand). Cytogenetic location: 12q24.33.
Variant type: single nucleotide variant.
Coding change: c.2447A>G on transcript NM_006231.4 (MANE Select); coding-DNA position 2447, A replaced by G.
Protein change: p.Tyr816Cys; replaces tyrosine 816 with cysteine.
Molecular consequence: missense variant.
Genome position (GRCh38, 1-based): chr12:132,665,323, T>C on the plus strand (A>G on the coding strand, the complement: POLE is on the minus strand). VCF-style: chr12-132665323-T-C. GRCh37 (hg19) VCF-style: chr12-133241909-T-C.
Other names: short protein forms Y816C.
Identifiers: ClinVar variation 3422131 (VCV003422131.3).
Genomic context (GRCh38, chr12:132,665,323, plus strand): 5'-TTCCTCCCATAAGCCTCTCCCGGGCCCGGGCCCACCTACCCCTTGCGCATGACATAGCCA[T>C]AGAAGGAGTTCAGGATGCACTTGTGGGCCAGCTGCAGCGAGTCATACAGCACCTCCATGT-3'
Protein context (NP_006222.2, residues 806-826): LAHKCILNSF[Tyr816Cys]GYVMRKGARW